The following is an entry in ClinVar:

NM_005702.4(ERAL1):c.1250A>G (p.His417Arg)

Gene: ERAL1 (Era like 12S mitochondrial rRNA chaperone 1; plus strand). Cytogenetic location: 17q11.2.
Variant type: single nucleotide variant.
Coding change: c.1250A>G on transcript NM_005702.4 (MANE Select); coding-DNA position 1250, A replaced by G.
Protein change: p.His417Arg; replaces histidine 417 with arginine.
Molecular consequence: missense variant. On other transcripts: non-coding transcript variant (1).
Genome position (GRCh38, 1-based): chr17:28,860,489, A>G. VCF-style: chr17-28860489-A-G. GRCh37 (hg19) VCF-style: chr17-27187507-A-G.
Other names: c.1247A>G, p.His416Arg (NM_001317985.2); c.1001A>G, p.His334Arg (NM_001317986.2); c.1250A>G (NM_005702.3); short protein forms H334R, H416R, H417R.
Identifiers: ClinVar variation 3509717 (VCV003509717.2).

ClinVar aggregate classification (germline): Conflicting classifications of pathogenicity. Review status: criteria provided, conflicting classifications (1 of 4 stars). 2 submissions from 2 submitters: Uncertain significance (1); Likely benign (1). Last evaluated 2026-05-27.

Conditions:
ERAL1-related disorder. Also called: ERAL1-related condition.

gnomAD v4.1: 49 of 1,609,458 alleles (0.003%); highest among the groups gnomAD compares: Admixed American, 0.0017%; no homozygotes.

Submissions (2):

PreventionGenetics, part of Exact Sciences
Classification: Uncertain significance for ERAL1-related condition. Last evaluated: 2026-05-27. Review status: criteria provided, single submitter. Criteria: ACMG Guidelines, 2015. Collection method: clinical testing. Allele origin: germline.
Comment: The ERAL1 c.1250A>G variant is predicted to result in the amino acid substitution p.His417Arg. To our knowledge, this variant has not been reported in the literature. This variant is reported in 0.11% of alleles in individuals of Ashkenazi Jewish descent in gnomAD. Although we suspect that this variant may be benign, at this time, the clinical significance of this variant is uncertain due to the absence of conclusive functional and genetic evidence.

Ambry Genetics
Classification: Likely benign. Last evaluated: 2024-08-14. Review status: criteria provided, single submitter. Criteria: Ambry Variant Classification Scheme 2023. Collection method: clinical testing. Allele origin: germline.